The following is an entry in ClinVar:

ClinVar aggregate classification (germline): Uncertain significance (1 of 4 stars; one submission).

Conditions:
Hereditary cancer-predisposing syndrome. Also called: Neoplastic Syndromes, Hereditary; Tumor predisposition; Hereditary Cancer Syndrome; Hereditary neoplastic syndrome. Identifiers: Orphanet 140162, MedGen C0027672, MeSH D009386, MONDO:0015356.

Submission:

Ambry Genetics
Classification: Uncertain significance for Hereditary cancer-predisposing syndrome. Last evaluated: 2022-03-16. Review status: criteria provided, single submitter. Criteria: Ambry Variant Classification Scheme 2023. Collection method: clinical testing. Allele origin: germline.
Comment: The p.A644T variant (also known as c.1930G>A), located in coding exon 15 of the BAP1 gene, results from a G to A substitution at nucleotide position 1930. The alanine at codon 644 is replaced by threonine, an amino acid with similar properties. This amino acid position is conserved. In addition, this alteration is predicted to be tolerated by in silico analysis. Since supporting evidence is limited at this time, the clinical significance of this alteration remains unclear.

NM_004656.4(BAP1):c.1930G>A (p.Ala644Thr)

Gene: BAP1 (BRCA1 associated deubiquitinase 1; minus strand). Cytogenetic location: 3p21.1.
Variant type: single nucleotide variant.
Coding change: c.1930G>A on transcript NM_004656.4 (MANE Select); coding-DNA position 1930, G replaced by A.
Protein change: p.Ala644Thr; replaces alanine 644 with threonine.
Molecular consequence: missense variant.
Genome position (GRCh38, 1-based): chr3:52,402,832, C>T on the plus strand (G>A on the coding strand, the complement: BAP1 is on the minus strand). VCF-style: chr3-52402832-C-T. GRCh37 (hg19) VCF-style: chr3-52436848-C-T.
Other names: c.1876G>A, p.Ala626Thr (NM_001410772.1); short protein forms A644T, A626T.
Identifiers: ClinVar variation 1782881 (VCV001782881.2), dbSNP rs2153226315, ClinGen allele CA353096726.